The following is an entry in ClinVar:

ClinVar aggregate classification (germline): Likely benign. Review status: criteria provided, multiple submitters, no conflicts (2 of 4 stars). 2 submissions from 2 submitters: Likely benign (2). Last evaluated 2018-06-24.

Conditions:
Congenital stationary night blindness 1D. Also called: Night blindness, congenital stationary (complete), 1D, autosomal recessive. Identifiers: Orphanet 215, MedGen C3151193, MONDO:0013450, OMIM 613830.

Allele frequency attached by ClinVar (database versions not stated): 1000 Genomes Project 0.00439; gnomAD 0.00464 and 0.00485; 1000 Genomes Project 30x 0.00468; TOPMed 0.00537; gnomAD exomes 0.00538.
gnomAD v4.1: 5,206 of 985,330 alleles (0.53%); highest among the groups gnomAD compares: East Asian, 1.6%; 18 homozygotes.

Submissions (2):

Blueprint Genetics
Classification: Likely benign. Last evaluated: 2018-06-24. Review status: criteria provided, single submitter. Criteria: ACMG Guidelines, 2015. Collection method: clinical testing. Allele origin: germline.

Illumina Laboratory Services, Illumina
Classification: Likely benign for Congenital stationary night blindness 1D. Last evaluated: 2018-01-13. Review status: criteria provided, single submitter. Criteria: ICSL Variant Classification Criteria 13 December 2019. Collection method: clinical testing. Allele origin: germline.
Comment: This variant was observed in the ICSL laboratory as part of a predisposition screen in an ostensibly healthy population. It had not been previously curated by ICSL or reported in the Human Gene Mutation Database (HGMD: prior to June 1st, 2018), and was therefore a candidate for classification through an automated scoring system. Utilizing variant allele frequency, disease prevalence and penetrance estimates, and inheritance mode, an automated score was calculated to assess if this variant is too frequent to cause the disease. Based on the score and internal cut-off values, a variant classified as likely benign is not then subjected to further curation. The score for this variant resulted in a classification of likely benign for this disease.

NM_004727.3(SLC24A1):c.*1504C>T

Gene: SLC24A1 (solute carrier family 24 member 1; plus strand). Cytogenetic location: 15q22.31.
Variant type: single nucleotide variant.
Coding change: c.*1504C>T on transcript NM_004727.3 (MANE Select); 1504 bases downstream of the stop codon, C replaced by T.
Molecular consequence: 3 prime UTR variant. On other transcripts: intron variant (1).
Genome position (GRCh38, 1-based): chr15:65,655,583, C>T. VCF-style: chr15-65655583-C-T. GRCh37 (hg19) VCF-style: chr15-65947921-C-T.
Other names: c.*1504C>T (NM_001254740.2, NM_001301031.1, NM_001301032.1); c.2996+2775C>T (NM_001301033.2).
Identifiers: ClinVar variation 316823 (VCV000316823.6), dbSNP rs116886540, ClinGen allele CA10636379.